The following is an entry in ClinVar:

ClinVar aggregate classification (germline): Uncertain significance (0 of 4 stars; one submission).

Conditions:
UCP3-related disorder. Also called: UCP3-related condition.

Allele frequency attached by ClinVar (database versions not stated): gnomAD 0.00002; gnomAD exomes 0.00002; TOPMed 0.00004; ExAC 0.00006; ESP Exome Variant Server 0.00008; 1000 Genomes Project 30x 0.00016; 1000 Genomes Project 0.00020.
gnomAD v4.1: 28 of 1,614,198 alleles (0.0017%); highest among the groups gnomAD compares: East Asian, 0.022%; no homozygotes.

Submission:

PreventionGenetics, part of Exact Sciences
Classification: Uncertain significance for UCP3-related condition. Last evaluated: 2024-07-22. Review status: no assertion criteria provided. Collection method: clinical testing. Allele origin: germline.
Comment: The UCP3 c.118C>T variant is predicted to result in the amino acid substitution p.Arg40Cys. This variant was reported in a cohort study of families with strabismus, but no additional studies were performed to help assess its pathogenicity (Table 2, Gong et al. 2017. PubMed ID: 28861346). This variant has not been reported in individuals with obesity or type II diabetes. This variant is reported in 0.049% of alleles in individuals of East Asian descent in gnomAD. Although we suspect that this variant may be benign, at this time, the clinical significance of this variant is uncertain due to the absence of conclusive functional and genetic evidence.

NM_003356.4(UCP3):c.118C>T (p.Arg40Cys)

Gene: UCP3 (uncoupling protein 3; minus strand). Cytogenetic location: 11q13.4.
Variant type: single nucleotide variant.
Coding change: c.118C>T on transcript NM_003356.4 (MANE Select); coding-DNA position 118, C replaced by T.
Protein change: p.Arg40Cys; replaces arginine 40 with cysteine.
Molecular consequence: missense variant.
Genome position (GRCh38, 1-based): chr11:74,006,925, G>A on the plus strand (C>T on the coding strand, the complement: UCP3 is on the minus strand). VCF-style: chr11-74006925-G-A. GRCh37 (hg19) VCF-style: chr11-73717970-G-A.
Other names: c.118C>T, p.Arg40Cys (NM_022803.3); short protein forms R40C.
Identifiers: ClinVar variation 2629172 (VCV002629172.3), dbSNP rs199727434, ClinGen allele CA6181649.